The following is an entry in ClinVar:

NM_004408.4(DNM1):c.2144T>C (p.Met715Thr)

Gene: DNM1 (dynamin 1; plus strand). Cytogenetic location: 9q34.11.
Variant type: single nucleotide variant.
Coding change: c.2144T>C on transcript NM_004408.4 (MANE Select); coding-DNA position 2144, T replaced by C.
Protein change: p.Met715Thr; replaces methionine 715 with threonine.
Molecular consequence: missense variant.
Genome position (GRCh38, 1-based): chr9:128,250,182, T>C. VCF-style: chr9-128250182-T-C. GRCh37 (hg19) VCF-style: chr9-131012461-T-C.
Other names: c.2144T>C, p.Met715Thr (NM_001005336.3, NM_001288737.2, NM_001288738.2 and 2 more transcripts); short protein forms M715T.
Identifiers: ClinVar variation 1786636 (VCV001786636.2), dbSNP rs935150035, ClinGen allele CA200323173.

ClinVar aggregate classification (germline): Uncertain significance (1 of 4 stars; one submission).

Conditions:
Inborn genetic diseases. Identifiers: MedGen C0950123, MeSH D030342.

Allele frequency attached by ClinVar (database versions not stated): TOPMed 0.00001.
gnomAD v4.1: 1 of 1,614,120 alleles (0.000062%); highest among the groups gnomAD compares: Non-Finnish European, 0.000085%; no homozygotes.

Submission:

Ambry Genetics
Classification: Uncertain significance for Inborn genetic diseases. Last evaluated: 2017-11-03. Review status: criteria provided, single submitter. Criteria: Ambry Variant Classification Scheme 2023. Collection method: clinical testing. Allele origin: germline.
Comment: The p.M715T variant (also known as c.2144T>C), located in coding exon 20 of the DNM1 gene, results from a T to C substitution at nucleotide position 2144. The methionine at codon 715 is replaced by threonine, an amino acid with similar properties. This amino acid position is highly conserved in available vertebrate species. In addition, the in silico prediction for this alteration is inconclusive. Since supporting evidence is limited at this time, the clinical significance of this alteration remains unclear.